The following is an entry in ClinVar:

ClinVar aggregate classification (germline): Uncertain significance (1 of 4 stars; one submission).

gnomAD v4.1: 13 of 1,589,956 alleles (0.00082%); highest among the groups gnomAD compares: Admixed American, 0.0018%; no homozygotes.

Submission:

Labcorp Genetics (formerly Invitae), Labcorp
Classification: Uncertain significance. Last evaluated: 2024-09-02. Review status: criteria provided, single submitter. Criteria: Invitae Variant Classification Sherloc (09022015). Collection method: clinical testing. Allele origin: germline.
Comment: This sequence change replaces valine, which is neutral and non-polar, with isoleucine, which is neutral and non-polar, at codon 475 of the PLEKHM2 protein (p.Val475Ile). The frequency data for this variant in the population databases is considered unreliable, as metrics indicate poor data quality at this position in the gnomAD database. This variant has not been reported in the literature in individuals affected with PLEKHM2-related conditions. An algorithm developed to predict the effect of missense changes on protein structure and function (PolyPhen-2) suggests that this variant is likely to be tolerated. In summary, the available evidence is currently insufficient to determine the role of this variant in disease. Therefore, it has been classified as a Variant of Uncertain Significance.

NM_015164.4(PLEKHM2):c.1423G>A (p.Val475Ile)

Gene: PLEKHM2 (pleckstrin homology and RUN domain containing M2; plus strand). Cytogenetic location: 1p36.21.
Variant type: single nucleotide variant.
Coding change: c.1423G>A on transcript NM_015164.4 (MANE Select); coding-DNA position 1423, G replaced by A.
Protein change: p.Val475Ile; replaces valine 475 with isoleucine.
Molecular consequence: missense variant.
Genome position (GRCh38, 1-based): chr1:15,727,495, G>A. VCF-style: chr1-15727495-G-A. GRCh37 (hg19) VCF-style: chr1-16053990-G-A.
Other names: c.1363G>A, p.Val455Ile (NM_001410755.1); short protein forms V455I, V475I.
Identifiers: ClinVar variation 3669187 (VCV003669187.2).
Genomic context (GRCh38, chr1:15,727,495, plus strand): 5'-AGTGAGGGGCTTTCAGCCCCAATGGACTTCTACCGCTTTACCGTCGAGAGTCCAAGCACT[G>A]TTACATCAGGTGGCGGCCACCATGACCCTGCAGGGCTTGGCCAACCGCTGCATGTTCCTA-3'
Protein context (NP_055979.2, residues 465-485): YRFTVESPST[Val475Ile]TSGGGHHDPA